The following is an entry in ClinVar:

NM_138694.4(PKHD1):c.6025G>A (p.Ala2009Thr)

Gene: PKHD1 (PKHD1 ciliary IPT domain containing fibrocystin/polyductin; minus strand). Cytogenetic location: 6p12.2.
Variant type: single nucleotide variant.
Coding change: c.6025G>A on transcript NM_138694.4 (MANE Select); coding-DNA position 6025, G replaced by A.
Protein change: p.Ala2009Thr; replaces alanine 2009 with threonine.
Molecular consequence: missense variant.
Genome position (GRCh38, 1-based): chr6:51,934,206, C>T on the plus strand (G>A on the coding strand, the complement: PKHD1 is on the minus strand). VCF-style: chr6-51934206-C-T. GRCh37 (hg19) VCF-style: chr6-51799004-C-T.
Other names: c.6025G>A, p.Ala2009Thr (NM_170724.3); short protein forms A2009T.
Identifiers: ClinVar variation 3764583 (VCV003764583.1).

ClinVar aggregate classification (germline): Likely pathogenic (1 of 4 stars; one submission).

Conditions:
Polycystic kidney disease 4 (PKD4). Also called: POLYCYSTIC KIDNEY DISEASE 4 WITH OR WITHOUT POLYCYSTIC LIVER DISEASE; PKD3; Autosomal Recessive Polycystic Kidney Disease – PKHD1; POLYCYSTIC KIDNEY AND HEPATIC DISEASE 1; POLYCYSTIC KIDNEY DISEASE, INFANTILE, TYPE I. Identifiers: MedGen C4540575, MONDO:0033004, OMIM 263200.

gnomAD v4.1: 3 of 1,613,874 alleles (0.00019%); highest among the groups gnomAD compares: Non-Finnish European, 0.00025%; no homozygotes.

Submission:

Daryl Scott Lab, Baylor College of Medicine
Classification: Likely pathogenic for Polycystic kidney disease 4. Last evaluated: 2024-01-01. Review status: criteria provided, single submitter. Criteria: ACMG Guidelines, 2015. Collection method: clinical testing. Allele origin: paternal. Affected: yes. Observed: 1 heterozygote.
Comment: PS4_supporting, PM2, PM3, PP3